The following is an entry in ClinVar:

NM_001614.5(ACTG1):c.1024G>C (p.Gly342Arg)

Gene: ACTG1 (actin gamma 1; minus strand). Cytogenetic location: 17q25.3.
Variant type: single nucleotide variant.
Coding change: c.1024G>C on transcript NM_001614.5 (MANE Select); coding-DNA position 1024, G replaced by C.
Protein change: p.Gly342Arg; replaces glycine 342 with arginine.
Molecular consequence: missense variant. On other transcripts: non-coding transcript variant (1).
Genome position (GRCh38, 1-based): chr17:81,510,794, C>G on the plus strand (G>C on the coding strand, the complement: ACTG1 is on the minus strand). VCF-style: chr17-81510794-C-G. GRCh37 (hg19) VCF-style: chr17-79477820-C-G.
Other names: c.1024G>C, p.Gly342Arg (NM_001199954.3); short protein forms G342R.
Identifiers: ClinVar variation 5018839 (VCV005018839.2).

ClinVar aggregate classification (germline): Uncertain significance (1 of 4 stars; one submission).

Conditions:
Autosomal dominant nonsyndromic hearing loss 20. Identifiers: Orphanet 90635, MedGen C1858172, MONDO:0011480, OMIM 604717.
Baraitser-winter syndrome 2. Identifiers: Orphanet 2995, MedGen C3281235, MONDO:0013812, OMIM 614583.

Submission:

Juno Genomics, Hangzhou Juno Genomics, Inc
Classification: Uncertain significance for Baraitser-winter syndrome 2; Autosomal dominant nonsyndromic hearing loss 20. Review status: criteria provided, single submitter. Criteria: ACMG Guidelines, 2015. Collection method: clinical testing. Allele origin: germline.
Comment: Absent from controls (or at extremely low frequency if recessive) in Genome Aggregation Database.;Missense variant in a gene that has a low rate of benign missense variation.;Multiple lines of computational evidence support a deleterious effect on the gene or gene product.